The following is an entry in ClinVar:

NM_018051.5(DYNC2I1):c.1358-7C>T

Gene: DYNC2I1 (dynein 2 intermediate chain 1; plus strand). Cytogenetic location: 7q36.3.
Variant type: single nucleotide variant.
Coding change: c.1358-7C>T on transcript NM_018051.5 (MANE Select); 7 bases into the intron before coding-DNA position 1358, C replaced by T.
Molecular consequence: intron variant.
Genome position (GRCh38, 1-based): chr7:158,905,982, C>T. VCF-style: chr7-158905982-C-T. GRCh37 (hg19) VCF-style: chr7-158698673-C-T.
Other names: c.1220-7C>T (NM_001350914.2); c.110-7C>T (NM_001350918.2, NM_001350917.2); c.-2+3387C>T (NM_001350916.2); c.785-7C>T (NM_001350915.2).
Identifiers: ClinVar variation 4984858 (VCV004984858.1).
Genomic context (GRCh38, chr7:158,905,982, plus strand): 5'-CAGATATTTTTTTGCTTGGAAGACATATTTCCGTGTTGGAAAAATAGTGTTTTTCTCCCT[C>T]ACACAGATACAAACAGTTCCCCTTCCAGAGCCTCTGTTTGTGGAATTTTTGTGGATTTTG-3'

ClinVar aggregate classification (germline): Likely benign (1 of 4 stars; one submission).

Conditions:
DYNC2I1-related disorder. Also called: DYNC2I1-related condition.

Submission:

PreventionGenetics, part of Exact Sciences
Classification: Likely benign for DYNC2I1-related condition. Last evaluated: 2026-08-19. Review status: criteria provided, single submitter. Criteria: ACMG Guidelines, 2015. Collection method: clinical testing. Allele origin: germline.
Comment: This variant is classified as likely benign based on ACMG/AMP sequence variant interpretation guidelines (Richards et al. 2015 PMID: 25741868, with internal and published modifications).